The following is an entry in ClinVar:

ClinVar aggregate classification (germline): Uncertain significance (1 of 4 stars; one submission).

gnomAD v4.1: 13 of 1,614,062 alleles (0.00081%); highest among the groups gnomAD compares: Admixed American, 0.0017%; no homozygotes.

Submission:

GeneDx
Classification: Uncertain significance. Last evaluated: 2026-06-13. Review status: criteria provided, single submitter. Criteria: GeneDx Variant Classification Process June 2021. Collection method: clinical testing. Allele origin: germline.
Comment: Not observed at significant frequency in large population cohorts (gnomAD); In silico analysis supports that this missense variant has a deleterious effect on protein structure/function; Has not been previously published as pathogenic or benign to our knowledge

NM_014975.3(MAST1):c.1159G>A (p.Ala387Thr)

Gene: MAST1 (microtubule associated serine/threonine kinase 1; plus strand). Cytogenetic location: 19p13.13.
Variant type: single nucleotide variant.
Coding change: c.1159G>A on transcript NM_014975.3 (MANE Select); coding-DNA position 1159, G replaced by A.
Protein change: p.Ala387Thr; replaces alanine 387 with threonine.
Molecular consequence: missense variant.
Genome position (GRCh38, 1-based): chr19:12,858,532, G>A. VCF-style: chr19-12858532-G-A. GRCh37 (hg19) VCF-style: chr19-12969346-G-A.
Other names: short protein forms A387T.
Identifiers: ClinVar variation 3368029 (VCV003368029.2).